The following is an entry in ClinVar:

NM_001267550.2(TTN):c.104863T>G (p.Cys34955Gly)

Genes: TTN (titin; minus strand), TTN-AS1 (TTN antisense RNA 1; plus strand). Cytogenetic location: 2q31.2.
Variant type: single nucleotide variant.
Coding change: c.104863T>G on transcript NM_001267550.2 (MANE Select); coding-DNA position 104863, T replaced by G.
Protein change: p.Cys34955Gly; replaces cysteine 34955 with glycine.
Molecular consequence: missense variant.
Genome position (GRCh38, 1-based): chr2:178,531,752, A>C on the plus strand (T>G on the coding strand, the complement: TTN is on the minus strand). VCF-style: chr2-178531752-A-C. GRCh37 (hg19) VCF-style: chr2-179396479-A-C.
Other names: c.99940T>G, p.Cys33314Gly (NM_001256850.1); c.77668T>G, p.Cys25890Gly (NM_003319.4); c.97159T>G, p.Cys32387Gly (NM_133378.4); c.78043T>G, p.Cys26015Gly (NM_133432.3); c.78244T>G, p.Cys26082Gly (NM_133437.4); short protein forms C25890G, C32387G, C26082G, C34955G, C26015G, C33314G.
Identifiers: ClinVar variation 2933746 (VCV002933746.4), dbSNP rs768740635, ClinGen allele CA1985344.
Genomic context (GRCh38, chr2:178,531,752, plus strand): 5'-ATTTAACCTCGGCAGTTGGCTTAGACTGAACATTTAAAATAAAACGTGTATTTTGGCCAC[A>C]TGGTACCCTGTGCGAGCGCATTCTCAGTGTGATTCGAGGGGCATGGTCCAGTGTGAAAGG-3'
Protein context (NP_001254479.2, residues 34945-34965): TLRMRSHRVP[Cys34955Gly]GQNTRFILNV

ClinVar aggregate classification (germline): Conflicting classifications of pathogenicity. Review status: criteria provided, conflicting classifications (1 of 4 stars). 2 submissions from 2 submitters: Uncertain significance (1); Likely benign (1). Last evaluated 2026-01-15.

Conditions:
Dilated cardiomyopathy 1G (CMD1G). Identifiers: Orphanet 154, MedGen C1858763, MONDO:0011400, OMIM 604145.
Autosomal recessive limb-girdle muscular dystrophy type 2J (LGMDR10). Also called: Limb-girdle muscular dystrophy, type 2J; MUSCULAR DYSTROPHY, LIMB-GIRDLE, AUTOSOMAL RECESSIVE 10. Identifiers: Orphanet 140922, MedGen C1837342, MONDO:0012127, OMIM 608807.

Allele frequency attached by ClinVar (database versions not stated): ExAC 0.00001; gnomAD 0.00001; TOPMed 0.00001.
gnomAD v4.1: 9 of 1,613,874 alleles (0.00056%); highest among the groups gnomAD compares: Middle Eastern, 0.033%; no homozygotes.

Submissions (2):

Labcorp Genetics (formerly Invitae), Labcorp
Classification: Uncertain significance for Dilated cardiomyopathy 1G; Autosomal recessive limb-girdle muscular dystrophy type 2J. Last evaluated: 2026-01-15. Review status: criteria provided, single submitter. Criteria: Invitae Variant Classification Sherloc (09022015). Collection method: clinical testing. Allele origin: germline.
Comment: This sequence change replaces cysteine, which is neutral and slightly polar, with glycine, which is neutral and non-polar, at codon 34955 of the TTN protein (p.Cys34955Gly). This variant is present in population databases (rs768740635, gnomAD 0.0009%). This variant has not been reported in the literature in individuals affected with TTN-related conditions. ClinVar contains an entry for this variant (Variation ID: 2933746). Experimental studies and prediction algorithms are not available or were not evaluated, and the functional significance of this variant is currently unknown. This variant is located in the M band of TTN (PMID: 25589632). Non-truncating variants in this region may be relevant for neuromuscular disorders, but have not been definitively shown to cause cardiomyopathy (PMID: 23975875). In summary, the available evidence is currently insufficient to determine the role of this variant in disease. Therefore, it has been classified as a Variant of Uncertain Significance.

Molecular Diagnostic Laboratory for Inherited Cardiovascular Disease, Montreal Heart Institute
Classification: Likely benign. Last evaluated: 2025-04-09. Review status: criteria provided, single submitter. Criteria: ACMG Guidelines, 2015. Collection method: clinical testing. Allele origin: germline. Affected: no.

Literature cited by the submitters: PubMed 25589632 (cited by Labcorp Genetics (formerly Invitae), Labcorp); PubMed 23975875 (cited by Labcorp Genetics (formerly Invitae), Labcorp).